The following is an entry in ClinVar:

ClinVar aggregate classification (germline): Uncertain significance (0 of 4 stars; one submission).

Submission:

Department of Pathology and Laboratory Medicine, Sinai Health System
Classification: Uncertain significance. Review status: no assertion criteria provided. Collection method: clinical testing. Allele origin: unknown. Affected: yes. Study: The Canadian Open Genetics Repository (COGR).
Comment: The HMOX1 p.Gln112_Val115del variant was not identified in the literature nor was it identified in dbSNP, ClinVar, Cosmic, LOVD 3.0 or in the following control databases: the 1000 Genomes Project, the NHLBI GO Exome Sequencing Project, the Exome Aggregation Consortium (August 8th 2016), or the Genome Aggregation Database (Feb 27, 2017). This variant is an in-frame deletion resulting in the removal of codons 112 to 115; the impact of this alteration on HMOX1 protein function is not known. In summary, based on the above information the clinical significance of this variant cannot be determined with certainty at this time. This variant is classified as a variant of uncertain significance.

NM_002133.3(HMOX1):c.334_345del (p.Gln112_Val115del)

Gene: HMOX1 (heme oxygenase 1; plus strand). Cytogenetic location: 22q12.3.
Variant type: Deletion.
Coding change: c.334_345del on transcript NM_002133.3 (MANE Select); coding-DNA positions 334 to 345, 12 bases deleted (CAGCGCTATGTG).
Protein change: p.Gln112_Val115del.
Molecular consequence: inframe deletion.
Genome position (GRCh38, 1-based): chr22:35,386,874-35,386,885, CAGCGCTATGTG deleted; deleting any 12 consecutive bases within chr22:35,386,872-35,386,885 gives the same sequence; the c. name uses the placement nearest the transcript's 3' end. VCF-style (leftmost placement, unchanged base first): chr22-35386871-ATGCAGCGCTATG-A. GRCh37 (hg19) VCF-style: chr22-35782864-ATGCAGCGCTATG-A.
Identifiers: ClinVar variation 1050403 (VCV001050403.1), dbSNP rs2145767013, ClinGen allele CA2499226173.